The following continues an entry in ClinVar:

NM_000465.4(BARD1):c.33G>T (p.Gln11His)

Gene: BARD1. ClinVar aggregate classification (germline): Conflicting classifications of pathogenicity. Uncertain significance (1); Benign (6); Likely benign (13).

Submissions 21 to 26 of 26:

Counsyl
Classification: Likely benign for Familial cancer of breast. Last evaluated: 2016-10-11. Review status: no assertion criteria provided. Collection method: clinical testing. Allele origin: unknown. Not counted in ClinVar's aggregate classification.

Center of Medical Genetics and Primary Health Care
Classification: Benign for Breast Cancer. Review status: no assertion criteria provided. Collection method: clinical testing. Allele origin: germline. Affected: yes. Not counted in ClinVar's aggregate classification.

Clinical Genetics DNA and cytogenetics Diagnostics Lab, Erasmus MC, Erasmus Medical Center
Classification: Likely benign. Review status: no assertion criteria provided. Collection method: clinical testing. Allele origin: germline. Affected: yes. Study: VKGL Data-share Consensus. Not counted in ClinVar's aggregate classification.

Department of Pathology and Laboratory Medicine, Sinai Health System
Classification: Likely benign. Review status: no assertion criteria provided. Collection method: clinical testing. Allele origin: unknown. Affected: yes. Study: The Canadian Open Genetics Repository (COGR). Not counted in ClinVar's aggregate classification.
Comment: The BARD1 p.Gln11His variant was identified in 4 of 3420 proband chromosomes (frequency: 0.001) from individuals or families with CRC and Lynch associated cancer (Pearlman 2017, Yurgelun 2015). The variant was also identified in dbSNP (ID: rs143914387) as â€šÃ„Ãºwith other alleleâ€šÃ„Ã¹, and in the ClinVar and Clinvitae databases (as benign by Invitae and likely benign by GeneDx, Ambry Genetics, Illumina Clinical Services, Counsyl, and Quest Diagnostics Nichols Institute San Juan Capistrano). The variant was also identified in the Zhejiang Colon Cancer database 1x but no clinical information was provided. The variant was not identified in the Cosmic and MutDB databases. The variant was identified in the 1000 Genomes Project in 2 of 5000 chromosomes (frequency: 0.0004) and in the NHLBI GO Exome Sequencing Project in 19 of 7906 European American alleles (freq. 0.002). In addition, the variant was identified in control databases in 344 of 213748 chromosomes (1 homozygous) at a frequency of 0.002, increasing the likelihood this could be a low frequency benign variant (Genome Aggregation Database Feb 27, 2017). Breakdown of the observations by population include African in 3 of 18190 chromosomes (freq: 0.0002), Other in 16 of 5410 chromosomes (freq: 0.003), Latino in 72 of 30394 chromosomes (freq: 0.002), European Non-Finnish in 178 of 92742 chromosomes (freq: 0.002), Ashkenazi Jewish in 7 of 8982 chromosomes (freq: 0.0008), European Finnish in 57 of 16012 chromosomes (freq: 0.004), and South Asian in 11 of 26824 chromosomes (freq: 0.0004) while the variant was not observed in the East Asian population. The p.Gln11His residue is not conserved in mammals and computational analyses (PolyPhen-2, SIFT, AlignGVGD, BLOSUM, MutationTaster) do not suggest a high likelihood of impact to the protein; however this information is not predictive enough to rule out pathogenicity. The variant occurs outside of the splicing consensus sequence and in silico or computational prediction software programs (SpliceSiteFinder, MaxEntScan, NNSPLICE, GeneSplicer, HumanSpliceFinder) do not predict a difference in splicing. In summary, based on the above information the clinical significance of this variant cannot be determined with certainty at this time although we would lean towards a more benign role for this variant. This variant is classified as likely benign.

Genome Diagnostics Laboratory, Amsterdam University Medical Center
Classification: Likely benign. Review status: no assertion criteria provided. Collection method: clinical testing. Allele origin: germline. Affected: yes. Study: VKGL Data-share Consensus. Not counted in ClinVar's aggregate classification.

Laboratory of Diagnostic Genome Analysis, Leiden University Medical Center (LUMC)
Classification: Likely benign. Review status: no assertion criteria provided. Collection method: clinical testing. Allele origin: germline. Affected: yes. Study: VKGL Data-share Consensus. Not counted in ClinVar's aggregate classification.

Literature cited by the submitters: PubMed 25085752 (cited by Myriad Genetics, Inc.); PubMed 26315354 (cited by Quest Diagnostics Nichols Institute San Juan Capistrano and Counsyl); PubMed 27443514 (cited by Quest Diagnostics Nichols Institute San Juan Capistrano and Counsyl); PubMed 34906988 (cited by Quest Diagnostics Nichols Institute San Juan Capistrano); PubMed 25980754 (cited by Quest Diagnostics Nichols Institute San Juan Capistrano and Women's Health and Genetics/Laboratory Corporation of America, LabCorp); PubMed 27328445 (cited by Quest Diagnostics Nichols Institute San Juan Capistrano and Counsyl); PubMed 26898890 (cited by 4 submitters); PubMed 27978560 (cited by Quest Diagnostics Nichols Institute San Juan Capistrano); PubMed 23056176 (cited by Ambry Genetics and Women's Health and Genetics/Laboratory Corporation of America, LabCorp); PubMed 26787654 (cited by Women's Health and Genetics/Laboratory Corporation of America, LabCorp); PubMed 26979391 (cited by Counsyl).